The following is an entry in ClinVar:

ClinVar aggregate classification (germline): Uncertain significance (1 of 4 stars; one submission).

gnomAD v4.1: 1 of 1,613,300 alleles (0.000062%); highest among the groups gnomAD compares: Non-Finnish European, 0.000085%; no homozygotes.

Submission:

Mayo Clinic Laboratories, Mayo Clinic
Classification: Uncertain significance. Last evaluated: 2025-10-31. Review status: criteria provided, single submitter. Criteria: ACMG Guidelines, 2015. Collection method: clinical testing. Allele origin: germline. Observed: 2 variant alleles.
Comment: PP3

NM_002087.4(GRN):c.1169C>T (p.Pro390Leu)

Gene: GRN (granulin precursor; plus strand). Cytogenetic location: 17q21.31.
Variant type: single nucleotide variant.
Coding change: c.1169C>T on transcript NM_002087.4 (MANE Select); coding-DNA position 1169, C replaced by T.
Protein change: p.Pro390Leu; replaces proline 390 with leucine.
Molecular consequence: missense variant.
Genome position (GRCh38, 1-based): chr17:44,351,785, C>T. VCF-style: chr17-44351785-C-T. GRCh37 (hg19) VCF-style: chr17-42429153-C-T.
Other names: p.Pro390Leu; short protein forms P390L.
Identifiers: ClinVar variation 4542183 (VCV004542183.1).